The following is an entry in ClinVar:

NM_000135.4(FANCA):c.667G>C (p.Ala223Pro)

Gene: FANCA (FA complementation group A; minus strand). Cytogenetic location: 16q24.3.
Variant type: single nucleotide variant.
Coding change: c.667G>C on transcript NM_000135.4 (MANE Select); coding-DNA position 667, G replaced by C.
Protein change: p.Ala223Pro; replaces alanine 223 with proline.
Molecular consequence: missense variant.
Genome position (GRCh38, 1-based): chr16:89,805,322, C>G on the plus strand (G>C on the coding strand, the complement: FANCA is on the minus strand). VCF-style: chr16-89805322-C-G. GRCh37 (hg19) VCF-style: chr16-89871730-C-G.
Other names: c.667G>C, p.Ala223Pro (NM_001018112.3, NM_001286167.3); c.571G>C, p.Ala191Pro (NM_001351830.2); short protein forms A223P, A191P.
Identifiers: ClinVar variation 1496344 (VCV001496344.8), dbSNP rs771195871, ClinGen allele CA397477893.

ClinVar aggregate classification (germline): Uncertain significance (1 of 4 stars; one submission).

Conditions:
Fanconi anemia (FA). Also called: Fanconi's anemia. Identifiers: Orphanet 84, MedGen C0015625, MeSH D005199, MONDO:0019391.

Submission:

Labcorp Genetics (formerly Invitae), Labcorp
Classification: Uncertain significance for Fanconi anemia. Last evaluated: 2021-06-14. Review status: criteria provided, single submitter. Criteria: Invitae Variant Classification Sherloc (09022015). Collection method: clinical testing. Allele origin: germline.
Comment: This variant is not present in population databases (ExAC no frequency). This sequence change replaces alanine with proline at codon 223 of the FANCA protein (p.Ala223Pro). The alanine residue is weakly conserved and there is a small physicochemical difference between alanine and proline. In summary, the available evidence is currently insufficient to determine the role of this variant in disease. Therefore, it has been classified as a Variant of Uncertain Significance. Advanced modeling of protein sequence and biophysical properties (such as structural, functional, and spatial information, amino acid conservation, physicochemical variation, residue mobility, and thermodynamic stability) performed at Invitae indicates that this missense variant is not expected to disrupt FANCA protein function. This variant has not been reported in the literature in individuals with FANCA-related conditions.